The following is an entry in ClinVar:

ClinVar aggregate classification (germline): Uncertain significance (1 of 4 stars; one submission).

Conditions:
Ehlers-Danlos syndrome, type 4 (EDSVASC). Also called: Ehlers-Danlos Syndrome Type IV; Ehlers-Danlos syndrome vascular type; Ehlers Danlos syndrome, ecchymotic type; Ehlers Danlos syndrome, arterial type; Ehlers Danlos syndrome, Sack-Barabas type. Identifiers: Orphanet 286, MedGen C0268338, MONDO:0017314, OMIM 130050.

Allele frequency attached by ClinVar (database versions not stated): gnomAD exomes below 0.00001.
gnomAD v4.1: 1 of 1,614,072 alleles (0.000062%); highest among the groups gnomAD compares: Non-Finnish European, 0.000085%; no homozygotes.

Submission:

All of Us Research Program, National Institutes of Health
Classification: Uncertain significance for Ehlers-Danlos syndrome, type 4. Last evaluated: 2024-03-05. Review status: criteria provided, single submitter. Criteria: ACMG Guidelines, 2015. Collection method: clinical testing. Allele origin: germline. Inheritance: Autosomal dominant inheritance. Observed: 2 variant alleles, 2 heterozygotes.
Comment: This missense variant replaces threonine with proline at codon 1153 of the COL3A1 protein. Computational prediction suggests that this variant may not impact protein structure and function (internally defined REVEL score threshold <= 0.5, PMID: 27666373). To our knowledge, functional studies have not been reported for this variant. This variant has not been reported in individuals affected with COL3A1-related disorders in the literature. This variant has not been identified in the general population by the Genome Aggregation Database (gnomAD). The available evidence is insufficient to determine the role of this variant in disease conclusively. Therefore, this variant is classified as a Variant of Uncertain Significance.

This study involves interpretation of variants in research participants for the purpose of population health screening. Participant phenotype was not available at the time of variant classification. Additional details can be found in publication PMID: 35346344, PMCID: PMC8962531

NM_000090.4(COL3A1):c.3457A>C (p.Thr1153Pro)

Gene: COL3A1 (collagen type III alpha 1 chain; plus strand). Cytogenetic location: 2q32.2.
Variant type: single nucleotide variant.
Coding change: c.3457A>C on transcript NM_000090.4 (MANE Select); coding-DNA position 3457, A replaced by C.
Protein change: p.Thr1153Pro; replaces threonine 1153 with proline.
Molecular consequence: missense variant.
Genome position (GRCh38, 1-based): chr2:189,008,074, A>C. VCF-style: chr2-189008074-A-C. GRCh37 (hg19) VCF-style: chr2-189872800-A-C.
Other names: short protein forms T1153P.
Identifiers: ClinVar variation 3070649 (VCV003070649.2), dbSNP rs1576472918, ClinGen allele CA349846443.